The following is an entry in ClinVar:

ClinVar aggregate classification (germline): Conflicting classifications of pathogenicity. Review status: criteria provided, conflicting classifications (1 of 4 stars). 2 submissions from 2 submitters: Uncertain significance (1); Likely benign (1). Last evaluated 2025-11-25.

Conditions:
Inborn genetic diseases. Identifiers: MedGen C0950123, MeSH D030342.
Isolated cryptophthalmia. Also called: Cryptophthalmos, unilateral or bilateral, isolated; ANKYLOBLEPHARON, SIMPLE. Identifiers: Orphanet 91396, MedGen C1852453, MONDO:0007410, OMIM 123570.
Fraser syndrome 2 (FRASRS2). Identifiers: MedGen C4540036, MONDO:0054738, OMIM 617666.

Allele frequency attached by ClinVar (database versions not stated): ExAC 0.00001; gnomAD 0.00004; ESP Exome Variant Server 0.00008.
gnomAD v4.1: 14 of 1,613,926 alleles (0.00087%); highest among the groups gnomAD compares: African/African-American, 0.011%; no homozygotes.

Submissions (2):

Ambry Genetics
Classification: Uncertain significance for Inborn genetic diseases. Last evaluated: 2025-11-25. Review status: criteria provided, single submitter. Criteria: Ambry Variant Classification Scheme 2023. Collection method: clinical testing. Allele origin: germline.

3billion
Classification: Likely benign for Isolated cryptophthalmia; Fraser syndrome 2. Last evaluated: 2024-09-20. Review status: criteria provided, single submitter. Criteria: ACMG Guidelines, 2015. Collection method: clinical testing. Allele origin: germline. Affected: no.
Comment: The homozygous variant was found in patients diagnosed with another variant in a different gene, with no symptoms related to the gene containing the homozygous variant.

NM_207361.6(FREM2):c.2129G>A (p.Arg710His)

Gene: FREM2 (FRAS1 related extracellular matrix 2; plus strand). Cytogenetic location: 13q13.3.
Variant type: single nucleotide variant.
Coding change: c.2129G>A on transcript NM_207361.6 (MANE Select); coding-DNA position 2129, G replaced by A.
Protein change: p.Arg710His; replaces arginine 710 with histidine.
Molecular consequence: missense variant.
Genome position (GRCh38, 1-based): chr13:38,689,473, G>A. VCF-style: chr13-38689473-G-A. GRCh37 (hg19) VCF-style: chr13-39263610-G-A.
Other names: short protein forms R710H.
Identifiers: ClinVar variation 2356643 (VCV002356643.4), dbSNP rs372166899, ClinGen allele CA6954548.